The following is an entry in ClinVar:

NM_004715.5(CTDP1):c.215G>A (p.Gly72Asp)

Gene: CTDP1 (CTD phosphatase subunit 1; plus strand). Cytogenetic location: 18q23.
Variant type: single nucleotide variant.
Coding change: c.215G>A on transcript NM_004715.5 (MANE Select); coding-DNA position 215, G replaced by A.
Protein change: p.Gly72Asp; replaces glycine 72 with aspartic acid.
Molecular consequence: missense variant.
Genome position (GRCh38, 1-based): chr18:79,680,162, G>A. VCF-style: chr18-79680162-G-A. GRCh37 (hg19) VCF-style: chr18-77440162-G-A.
Other names: c.215G>A, p.Gly72Asp (NM_001318511.2, NM_048368.4); short protein forms G72D.
Identifiers: ClinVar variation 2019921 (VCV002019921.3), dbSNP rs996752979, ClinGen allele CA402825185.

ClinVar aggregate classification (germline): Uncertain significance. Review status: criteria provided, multiple submitters, no conflicts (2 of 4 stars). 2 submissions from 2 submitters: Uncertain significance (2). Last evaluated 2025-08-21.

Allele frequency attached by ClinVar (database versions not stated): TOPMed below 0.00001; gnomAD 0.00001; 1000 Genomes Project 30x 0.00016.
gnomAD v4.1: 7 of 1,394,312 alleles (0.0005%); highest among the groups gnomAD compares: African/African-American, 0.0015%; no homozygotes.

Submissions (2):

Ambry Genetics
Classification: Uncertain significance. Last evaluated: 2025-08-21. Review status: criteria provided, single submitter. Criteria: Ambry Variant Classification Scheme 2023. Collection method: clinical testing. Allele origin: germline.

Labcorp Genetics (formerly Invitae), Labcorp
Classification: Uncertain significance. Last evaluated: 2022-02-19. Review status: criteria provided, single submitter. Criteria: Invitae Variant Classification Sherloc (09022015). Collection method: clinical testing. Allele origin: germline.
Comment: This sequence change replaces glycine, which is neutral and non-polar, with aspartic acid, which is acidic and polar, at codon 72 of the CTDP1 protein (p.Gly72Asp). The frequency data for this variant in the population databases is considered unreliable, as metrics indicate poor data quality at this position in the gnomAD database. This variant has not been reported in the literature in individuals affected with CTDP1-related conditions. Algorithms developed to predict the effect of missense changes on protein structure and function (SIFT, PolyPhen-2, Align-GVGD) all suggest that this variant is likely to be tolerated. In summary, the available evidence is currently insufficient to determine the role of this variant in disease. Therefore, it has been classified as a Variant of Uncertain Significance.